The following is an entry in ClinVar:

ClinVar aggregate classification (germline): Uncertain significance (1 of 4 stars; one submission).

Conditions:
PPARG-related disorder. Also called: PPARG-related disorders; PPARG-related condition.

gnomAD v4.1: 54 of 1,613,910 alleles (0.0033%); highest among the groups gnomAD compares: Non-Finnish European, 0.0044%; no homozygotes.

Submission:

PreventionGenetics, part of Exact Sciences
Classification: Uncertain significance for PPARG-related condition. Last evaluated: 2025-05-27. Review status: criteria provided, single submitter. Criteria: ACMG Guidelines, 2015. Collection method: clinical testing. Allele origin: germline.
Comment: The PPARG c.184A>G variant is predicted to result in the amino acid substitution p.Ile62Val. To our knowledge, this variant has not been reported in the literature. This variant is reported in 0.0018% of alleles in individuals of European (Non-Finnish) descent in gnomAD. At this time, the clinical significance of this variant is uncertain due to the absence of conclusive functional and genetic evidence.

NM_138711.6(PPARG):c.94A>G (p.Ile32Val)

Gene: PPARG (peroxisome proliferator activated receptor gamma; plus strand). Cytogenetic location: 3p25.2.
Variant type: single nucleotide variant.
Coding change: c.94A>G on transcript NM_138711.6 (MANE Select); coding-DNA position 94, A replaced by G.
Protein change: p.Ile32Val; replaces isoleucine 32 with valine.
Molecular consequence: missense variant. On other transcripts: 5 prime UTR variant (1).
Genome position (GRCh38, 1-based): chr3:12,379,805, A>G. VCF-style: chr3-12379805-A-G. GRCh37 (hg19) VCF-style: chr3-12421304-A-G.
Other names: c.94A>G, p.Ile32Val (NM_001330615.4, NM_001354666.3, NM_001354667.3 and 6 more transcripts); c.184A>G, p.Ile62Val (NM_001354668.2, NM_001374265.1, NM_015869.5); c.-334A>G (NM_001354669.2); c.100A>G, p.Ile34Val (NM_001354670.2, NM_001374266.1); short protein forms I62V, I32V, I34V.
Identifiers: ClinVar variation 4989694 (VCV004989694.1).